The following is an entry in ClinVar:

NM_017780.4(CHD7):c.8325C>G (p.Phe2775Leu)

Gene: CHD7 (chromodomain helicase DNA binding protein 7; plus strand). Cytogenetic location: 8q12.2.
Variant type: single nucleotide variant.
Coding change: c.8325C>G on transcript NM_017780.4 (MANE Select); coding-DNA position 8325, C replaced by G.
Protein change: p.Phe2775Leu; replaces phenylalanine 2775 with leucine.
Molecular consequence: missense variant.
Genome position (GRCh38, 1-based): chr8:60,865,264, C>G. VCF-style: chr8-60865264-C-G. GRCh37 (hg19) VCF-style: chr8-61777823-C-G.
Other names: c.2178C>G, p.Phe726Leu (NM_001316690.1); short protein forms F2775L, F726L.
Identifiers: ClinVar variation 1314653 (VCV001314653.3), dbSNP rs2129761150, ClinGen allele CA371308397.

ClinVar aggregate classification (germline): Uncertain significance. Review status: criteria provided, multiple submitters, no conflicts (2 of 4 stars). 2 submissions from 2 submitters: Uncertain significance (2). Last evaluated 2024-01-01.

Conditions:
Hypogonadotropic hypogonadism 5 with or without anosmia (KAL5). Also called: HYPOGONADOTROPIC HYPOGONADISM 5 WITH ANOSMIA; CHD7-Related GnRH Deficiency (Kallmann Syndrome 5); HYPOGONADOTROPHIC HYPOGONADISM 5 WITHOUT ANOSMIA. Identifiers: Orphanet 478, MedGen C3552553, MONDO:0012880, OMIM 612370. Disease mechanism: loss of function.
CHARGE syndrome (CHARGE). Also called: Hittner Hirsch Kreh syndrome; CHARGE ASSOCIATION--COLOBOMA, HEART ANOMALY, CHOANAL ATRESIA, RETARDATION, GENITAL AND EAR ANOMALIES; Coloboma, heart anomaly, choanal atresia, retardation, genital and ear anomalies; CHARGE association; Hall-Hittner syndrome. Identifiers: Orphanet 138, MedGen C0265354, MONDO:0008965.

gnomAD v4.1: 12 of 1,607,508 alleles (0.00075%); highest among the groups gnomAD compares: Non-Finnish European, 0.001%; no homozygotes.

Submissions (2):

Fulgent Genetics
Classification: Uncertain significance for CHD7-related CHARGE syndrome; Hypogonadotropic hypogonadism 5 with or without anosmia. Last evaluated: 2024-01-01. Review status: criteria provided, single submitter. Criteria: ACMG Guidelines, 2015. Collection method: clinical testing. Allele origin: germline.

GeneDx
Classification: Uncertain significance. Last evaluated: 2021-10-14. Review status: criteria provided, single submitter. Criteria: GeneDx Variant Classification Process June 2021. Collection method: clinical testing. Allele origin: germline. Affected: yes.
Comment: Not observed in large population cohorts (Lek et al., 2016); In silico analysis supports that this missense variant does not alter protein structure/function; Has not been previously published as pathogenic or benign to our knowledge